The following is an entry in ClinVar:

ClinVar aggregate classification (germline): Uncertain significance (1 of 4 stars; one submission).

Submission:

Women's Health and Genetics/Laboratory Corporation of America, LabCorp
Classification: Uncertain significance. Last evaluated: 2024-07-18. Review status: criteria provided, single submitter. Criteria: LabCorp Variant Classification Summary - May 2015. Collection method: clinical testing. Allele origin: germline.
Comment: Variant summary: The variant involves the duplication of exons 27-31 in the PHKB gene. The exact breakpoint at the 3' end of this variant is unknown, therefore this duplication may extend downstream of the annotated region of the gene. As it duplicates the termination codon, its effect on the encoded protein is unknown. A presumed nomenclature of c.(2630+1_2631-1)_(*2158_?)dup has been designated for the purposes of this classification. A variant involving the duplication of exons 27-31 together with a large (~6 kbp) DNA segment extending downstream of the gene was found at a frequency of 4.6e-05 (i.e. one allele) in 21694 control chromosomes in the gnomAD database, structural variants dataset. The available data on variant occurrences in the general population are insufficient to allow any conclusion about variant significance. To our knowledge, no occurrence of c.(2630+1_2631-1)_(*2158_?)dup in individuals affected with Glycogen Phosphorylase Kinase Deficiency and no experimental evidence demonstrating its impact on protein function have been reported. ClinVar contains an entry for this variant (Variation ID: 2422829). Based on the evidence outlined above, the variant was classified as uncertain significance.

NC_000016.9:g.(47703329_47722951)_(47735435_?)dup

Gene: PHKB (phosphorylase kinase regulatory subunit beta; plus strand). Cytogenetic location: 16q12.1.
Variant type: Duplication.
Identifiers: ClinVar variation 1677182 (VCV001677182.2).